The following is an entry in ClinVar:

NM_004900.5(APOBEC3B):c.1026G>C (p.Glu342Asp)

Genes: APOBEC3B (apolipoprotein B mRNA editing enzyme catalytic subunit 3B; plus strand), APOBEC3B-AS1 (APOBEC3B antisense RNA 1; minus strand). Cytogenetic location: 22q13.1.
Variant type: single nucleotide variant.
Coding change: c.1026G>C on transcript NM_004900.5 (MANE Select); coding-DNA position 1026, G replaced by C.
Protein change: p.Glu342Asp; replaces glutamic acid 342 with aspartic acid.
Molecular consequence: missense variant.
Genome position (GRCh38, 1-based): chr22:38,992,041, G>C. VCF-style: chr22-38992041-G-C. GRCh37 (hg19) VCF-style: chr22-39388046-G-C.
Other names: c.951G>C, p.Glu317Asp (NM_001270411.2); short protein forms E317D, E342D.
Identifiers: ClinVar variation 1049449 (VCV001049449.1), dbSNP rs6001357, ClinGen allele CA10237657.

ClinVar aggregate classification (germline): Likely benign (0 of 4 stars; one submission).

Allele frequency attached by ClinVar (database versions not stated): gnomAD exomes 0.00081; 1000 Genomes Project 0.00100; ExAC 0.00119; 1000 Genomes Project 30x 0.00125; gnomAD 0.00346; ESP Exome Variant Server 0.00409.
gnomAD v4.1: 941 of 1,583,404 alleles (0.059%); highest among the groups gnomAD compares: African/African-American, 1.1%; 48 homozygotes.

Submission:

Department of Pathology and Laboratory Medicine, Sinai Health System
Classification: Likely benign. Review status: no assertion criteria provided. Collection method: clinical testing. Allele origin: unknown. Affected: yes. Study: The Canadian Open Genetics Repository (COGR).
Comment: The APOBEC3B p.Glu342Asp variant was not identified in the literature nor was it identified in ClinVar or Cosmic. The variant was identified in dbSNP (ID: rs6001357) and was found in control databases in 284 of 268020 chromosomes (10 homozygous) at a frequency of 0.00106 increasing the likelihood this could be a low frequency benign variant (Genome Aggregation Database Feb 27, 2017). The variant was observed in the following populations: African in 268 of 24624 chromosomes (freq: 0.01088), Other in 3 of 6906 chromosomes (freq: 0.000434), Latino in 9 of 31674 chromosomes (freq: 0.000284), South Asian in 2 of 28318 chromosomes (freq: 0.000071) and European (non-Finnish) in 2 of 125186 chromosomes (freq: 0.000016), while the variant was not observed in the Ashkenazi Jewish, East Asian or European (Finnish) populations. The variant occurs outside of the splicing consensus sequence and in silico or computational prediction software programs (SpliceSiteFinder, MaxEntScan, NNSPLICE, GeneSplicer) do not predict a difference in splicing. The p.Glu342 residue is not conserved in mammals and all computational analyses (PolyPhen-2, SIFT, AlignGVGD, BLOSUM, MutationTaster) do not suggest a high likelihood of impact to the protein; however, this information is not predictive enough to rule out pathogenicity. In summary, based on the above information the clinical significance of this variant cannot be determined with certainty at this time although we would lean towards a more benign role for this variant. This variant is classified as likely benign.